The following is an entry in ClinVar:

NM_001384474.1(LOXHD1):c.723C>A (p.Asn241Lys)

Gene: LOXHD1 (lipoxygenase homology PLAT domains 1; minus strand). Cytogenetic location: 18q21.1.
Variant type: single nucleotide variant.
Coding change: c.723C>A on transcript NM_001384474.1 (MANE Select); coding-DNA position 723, C replaced by A.
Protein change: p.Asn241Lys; replaces asparagine 241 with lysine.
Molecular consequence: missense variant.
Genome position (GRCh38, 1-based): chr18:46,610,812, G>T on the plus strand (C>A on the coding strand, the complement: LOXHD1 is on the minus strand). VCF-style: chr18-46610812-G-T. GRCh37 (hg19) VCF-style: chr18-44190775-G-T.
Other names: c.723C>A, p.Asn241Lys (NM_144612.7); short protein forms N241K.
Identifiers: ClinVar variation 1696018 (VCV001696018.4), dbSNP rs1364819556, ClinGen allele CA402386830.

ClinVar aggregate classification (germline): Uncertain significance. Review status: criteria provided, multiple submitters, no conflicts (2 of 4 stars). 3 submissions from 3 submitters: Uncertain significance (3). Last evaluated 2025-04-11.

Conditions:
Autosomal recessive nonsyndromic hearing loss 77. Identifiers: Orphanet 90636, MedGen C2746083, MONDO:0013119, OMIM 613079.

Allele frequency attached by ClinVar (database versions not stated): gnomAD exomes 0.00002 and 0.00003; gnomAD 0.00003; TOPMed 0.00003.
gnomAD v4.1: 34 of 1,551,588 alleles (0.0022%); highest among the groups gnomAD compares: Admixed American, 0.012%; no homozygotes.

Submissions (3):

Labcorp Genetics (formerly Invitae), Labcorp
Classification: Uncertain significance. Last evaluated: 2025-04-11. Review status: criteria provided, single submitter. Criteria: Invitae Variant Classification Sherloc (09022015). Collection method: clinical testing. Allele origin: germline.
Comment: This sequence change replaces asparagine, which is neutral and polar, with lysine, which is basic and polar, at codon 241 of the LOXHD1 protein (p.Asn241Lys). The frequency data for this variant in the population databases is considered unreliable, as metrics indicate poor data quality at this position in the gnomAD database. This variant has not been reported in the literature in individuals affected with LOXHD1-related conditions. ClinVar contains an entry for this variant (Variation ID: 1696018). An algorithm developed to predict the effect of missense changes on protein structure and function (PolyPhen-2) suggests that this variant is likely to be tolerated. In summary, the available evidence is currently insufficient to determine the role of this variant in disease. Therefore, it has been classified as a Variant of Uncertain Significance.

Women's Health and Genetics/Laboratory Corporation of America, LabCorp
Classification: Uncertain significance. Last evaluated: 2022-05-03. Review status: criteria provided, single submitter. Criteria: LabCorp Variant Classification Summary - May 2015. Collection method: clinical testing. Allele origin: germline.

Fulgent Genetics
Classification: Uncertain significance for Autosomal recessive nonsyndromic hearing loss 77. Last evaluated: 2021-08-20. Review status: criteria provided, single submitter. Criteria: ACMG Guidelines, 2015. Collection method: clinical testing. Allele origin: unknown.